The following is an entry in ClinVar:

NM_000548.5(TSC2):c.2542T>C (p.Ser848Pro)

Gene: TSC2 (TSC complex subunit 2; plus strand). Cytogenetic location: 16p13.3.
Variant type: single nucleotide variant.
Coding change: c.2542T>C on transcript NM_000548.5 (MANE Select); coding-DNA position 2542, T replaced by C.
Protein change: p.Ser848Pro; replaces serine 848 with proline.
Molecular consequence: missense variant.
Genome position (GRCh38, 1-based): chr16:2,074,386, T>C. VCF-style: chr16-2074386-T-C. GRCh37 (hg19) VCF-style: chr16-2124387-T-C.
Other names: c.2542T>C, p.Ser848Pro (NM_001077183.3, NM_001114382.3, NM_021055.3 and 6 more transcripts); c.2431T>C, p.Ser811Pro (NM_001318827.2, NM_001406678.1, NM_001406670.1); c.2395T>C, p.Ser799Pro (NM_001318829.2, NM_001406675.1, NM_001406676.1 and 1 more transcripts); c.1942T>C, p.Ser648Pro (NM_001318831.2, NM_001406680.1, NM_001406682.1 and 6 more transcripts); c.2530T>C, p.Ser844Pro (NM_001406671.1, NM_001406673.1); c.2485T>C, p.Ser829Pro (NM_001406677.1); c.2080T>C, p.Ser694Pro (NM_001406681.1); c.1198T>C, p.Ser400Pro (NM_001406692.1, NM_001406693.1, NM_001406694.1 and 6 more transcripts); and 3 more; short protein forms S314P, S400P, S648P, S694P, S799P, S811P, S829P, S844P.
Identifiers: ClinVar variation 1715781 (VCV001715781.8), dbSNP rs2543829026, ClinGen allele CA394278037.
Genomic context (GRCh38, chr16:2,074,386, plus strand): 5'-GTGAAGCTCACGCACATCTCAGCCACAGCCAGCATGGCCGTCCCACTGCTGGAGTTCCTG[T>C]CCAGTGAGTCCCCGCCCTGCCTGCGCATGCACCCGAGAGGTTCGGGCTGTGTAACCTGTG-3'
Protein context (NP_000539.2, residues 838-858): SMAVPLLEFL[Ser848Pro]TLARLPHLYR

ClinVar aggregate classification (germline): Conflicting classifications of pathogenicity. Review status: criteria provided, conflicting classifications (1 of 4 stars). 2 submissions from 2 submitters: Pathogenic (1); Uncertain significance (1). Last evaluated 2026-01-05.

Conditions:
Hereditary cancer-predisposing syndrome. Also called: Hereditary neoplastic syndrome; Tumor predisposition; Neoplastic Syndromes, Hereditary; Hereditary Cancer Syndrome. Identifiers: Orphanet 140162, MedGen C0027672, MeSH D009386, MONDO:0015356.
Tuberous sclerosis 2 (TSC2). Identifiers: Orphanet 805, MedGen C1860707, MONDO:0013199, OMIM 613254.

Submissions (2):

Labcorp Genetics (formerly Invitae), Labcorp
Classification: Pathogenic for Tuberous sclerosis 2. Last evaluated: 2026-01-05. Review status: criteria provided, single submitter. Criteria: Invitae Variant Classification Sherloc (09022015). Collection method: clinical testing. Allele origin: germline.
Comment: This sequence change replaces serine, which is neutral and polar, with proline, which is neutral and non-polar, at codon 848 of the TSC2 protein (p.Ser848Pro). This variant is not present in population databases (gnomAD no frequency). This missense change has been observed in individual(s) with tuberous sclerosis complex (internal data). In at least one individual the variant was observed to be de novo. ClinVar contains an entry for this variant (Variation ID: 1715781). Invitae Evidence Modeling of protein sequence and biophysical properties (such as structural, functional, and spatial information, amino acid conservation, physicochemical variation, residue mobility, and thermodynamic stability) has been performed for this missense variant. However, the output from this modeling did not meet the statistical confidence thresholds required to predict the impact of this variant on TSC2 protein function. For these reasons, this variant has been classified as Pathogenic.

Ambry Genetics
Classification: Uncertain significance for Hereditary cancer-predisposing syndrome. Last evaluated: 2016-10-28. Review status: criteria provided, single submitter. Criteria: Ambry Variant Classification Scheme 2023. Collection method: clinical testing. Allele origin: germline.
Comment: The p.S848P variant (also known as c.2542T>C), located in coding exon 21 of the TSC2 gene, results from a T to C substitution at nucleotide position 2542. The serine at codon 848 is replaced by proline, an amino acid with similar properties. This variant was not reported in population based cohorts in the following databases: Database of Single Nucleotide Polymorphisms (dbSNP), NHLBI Exome Sequencing Project (ESP), and 1000 Genomes Project. In the ESP, this variant was not observed in 6498 samples (12996 alleles) with coverage at this position. This amino acid position is highly conserved in available vertebrate species. In addition, this alteration is predicted to be deleterious by in silico analysis. Since supporting evidence is limited at this time, the clinical significance of this alteration remains unclear.